The following is an entry in ClinVar:

ClinVar aggregate classification (germline): Pathogenic (1 of 4 stars; one submission).

Submission:

Quest Diagnostics Nichols Institute San Juan Capistrano
Classification: Pathogenic. Last evaluated: 2024-03-27. Review status: criteria provided, single submitter. Criteria: ACMG/ClinGen CNV Guidelines, 2019. Collection method: clinical testing. Allele origin: unknown.
Comment: This deletion encompasses the recurrent 15q11.2q13 type 1 deletion (BP1-BP3; ISCA-37404; Dagli 2021, Driscoll 2023) of the Prader-Willi/Angelman Syndrome region and involves imprinted genes SNRPN (OMIM 182279) and UBE3A (OMIM 601623; CCID:008077). Thus, this copy number variant (CNV) is classified as pathogenic. References: Dagli et al., GeneReviews, [2021 Apr 22]. PMID: 20301323; Driscoll et al., GeneReviews, [2023 Nov 2]. PMID: 20301505

GRCh37/hg19 15q11.2-13.1(chr15:22770421-29069001)x1

Genes: GOLGA6L2 (golgin A6 family like 2; minus strand), ATP10A (ATPase phospholipid transporting 10A (putative); minus strand), CYFIP1 (cytoplasmic FMR1 interacting protein 1; minus strand), GABRA5 (gamma-aminobutyric acid type A receptor subunit alpha5; plus strand), GABRB3 (gamma-aminobutyric acid type A receptor subunit beta3; minus strand) and 24 more. Cytogenetic location: 15q11.2-13.1.
Variant type: copy number loss.
Change: copy number 1 (one copy instead of two) of chr15:22,770,421-29,069,001 (6.30 Mb, GRCh37 coordinates, 1-based), cytogenetic band 15q11.2-13.1.
Identifiers: ClinVar variation 564145 (VCV000564145.4).